The following is an entry in ClinVar:

ClinVar aggregate classification (germline): Pathogenic. Review status: criteria provided, multiple submitters, no conflicts (2 of 4 stars). 2 submissions from 2 submitters: Pathogenic (2). Last evaluated 2023-09-07.

Conditions:
Familial cancer of breast. Also called: hereditary breast carcinoma; BREAST CANCER, FAMILIAL; Hereditary breast cancer. Identifiers: Orphanet 227535, MedGen C0346153, MONDO:0016419, OMIM 114480. Disease mechanism: loss of function.

Submissions (2):

Myriad Genetics, Inc.
Classification: Pathogenic for Familial cancer of breast. Last evaluated: 2023-09-07. Review status: criteria provided, single submitter. Criteria: Myriad Autosomal Dominant, Autosomal Recessive and X-Linked Classification Criteria (2023). Collection method: clinical testing. Allele origin: unknown.
Comment: This variant is considered pathogenic. This variant creates a frameshift predicted to result in premature protein truncation.

Labcorp Genetics (formerly Invitae), Labcorp
Classification: Pathogenic for Familial cancer of breast. Last evaluated: 2022-05-27. Review status: criteria provided, single submitter. Criteria: Invitae Variant Classification Sherloc (09022015). Collection method: clinical testing. Allele origin: germline.
Comment: ClinVar contains an entry for this variant (Variation ID: 569659). For these reasons, this variant has been classified as Pathogenic. This variant has not been reported in the literature in individuals affected with PALB2-related conditions. This variant is not present in population databases (gnomAD no frequency). This sequence change creates a premature translational stop signal (p.Leu332Hisfs*4) in the PALB2 gene. It is expected to result in an absent or disrupted protein product. Loss-of-function variants in PALB2 are known to be pathogenic (PMID: 17200668, 17200671, 17200672, 24136930, 25099575).

Literature cited by the submitters: PubMed 17200668 (cited by Labcorp Genetics (formerly Invitae), Labcorp); PubMed 17200671 (cited by Labcorp Genetics (formerly Invitae), Labcorp); PubMed 17200672 (cited by Labcorp Genetics (formerly Invitae), Labcorp); PubMed 24136930 (cited by Labcorp Genetics (formerly Invitae), Labcorp); PubMed 25099575 (cited by Labcorp Genetics (formerly Invitae), Labcorp).

NM_024675.4(PALB2):c.995_996del (p.Leu332fs)

Gene: PALB2 (partner and localizer of BRCA2; minus strand). Cytogenetic location: 16p12.2.
Variant type: Deletion.
Coding change: c.995_996del on transcript NM_024675.4 (MANE Select); coding-DNA positions 995 to 996, 2 bases deleted (TC; older notation c.995_996delTC).
Protein change: p.Leu332fs; shifts the reading frame from leucine 332.
Molecular consequence: frameshift variant.
Genome position (GRCh38, 1-based): chr16:23,635,550-23,635,551, GA deleted on the plus strand (TC on the coding strand, the reverse complement: PALB2 is on the minus strand); deleting any 2 consecutive bases within chr16:23,635,550-23,635,552 gives the same sequence; the c. name uses the placement nearest the transcript's 3' end. VCF-style (leftmost placement, unchanged base first): chr16-23635549-TGA-T. GRCh37 (hg19) VCF-style: chr16-23646870-TGA-T.
Other names: c.995_996delTC (NM_024675.3).
Identifiers: ClinVar variation 569659 (VCV000569659.9), dbSNP rs1567221851, ClinGen allele CA891844528.